The following is an entry in ClinVar:

NM_002485.5(NBN):c.1282_1283delinsT (p.Asn428fs)

Gene: NBN (nibrin; minus strand). Cytogenetic location: 8q21.3.
Variant type: Indel.
Coding change: c.1282_1283delinsT on transcript NM_002485.5 (MANE Select); coding-DNA positions 1282 to 1283, AA replaced by T.
Protein change: p.Asn428fs; shifts the reading frame from asparagine 428.
Molecular consequence: frameshift variant.
Genome position (GRCh38, 1-based): chr8:89,955,397-89,955,398, TT replaced by A on the plus strand (AA replaced by T on the coding strand, the reverse complement: NBN is on the minus strand). VCF-style: chr8-89955397-TT-A. GRCh37 (hg19) VCF-style: chr8-90967625-TT-A.
Other names: c.1036_1037delinsT, p.Asn346fs (NM_001024688.3, NM_001440379.1, NM_001440380.1); short protein forms N346fs, N428fs.
Identifiers: ClinVar variation 5012569 (VCV005012569.1).

ClinVar aggregate classification (germline): Pathogenic (1 of 4 stars; one submission).

Conditions:
Microcephaly, normal intelligence and immunodeficiency (NBS). Also called: IMMUNODEFICIENCY, MICROCEPHALY, AND CHROMOSOMAL INSTABILITY; SEEMANOVA SYNDROME II; Nijmegen breakage syndrome; Microcephaly with normal intelligence immunodeficiency and lymphoreticular malignancies; Nonsyndromal microcephaly autosomal recessive with normal intelligence; Seemanova syndrome 2. Identifiers: Orphanet 647, MedGen C0398791, MONDO:0009623, OMIM 251260.

Submission:

Myriad Genetics, Inc.
Classification: Pathogenic for Microcephaly, normal intelligence and immunodeficiency. Last evaluated: 2023-12-13. Review status: criteria provided, single submitter. Criteria: Myriad Autosomal Dominant, Autosomal Recessive and X-Linked Classification Criteria (2023). Collection method: clinical testing. Allele origin: unknown.
Comment: NM_002485.4(NBN):c.1282_1283delAAinsT(N428Sfs*12) is expected to be pathogenic in the context of Nijmegen breakage syndrome. This variant is predicted to lead to an abnormal or absent protein product due to the creation of a premature termination codon in NBN, a gene where loss-of-function variants are known to be pathogenic. Please note: this variant was assessed in the context of healthy population screening.